The following is an entry in ClinVar:

ClinVar aggregate classification (germline): Uncertain significance (1 of 4 stars; one submission).

Conditions:
Renal cell carcinoma. Identifiers: Orphanet 217071, MedGen C0007134, MeSH D002292, MONDO:0005086, HP:0005584.

gnomAD v4.1: 3 of 1,613,900 alleles (0.00019%); highest among the groups gnomAD compares: Non-Finnish European, 0.00025%; no homozygotes.

Submission:

Labcorp Genetics (formerly Invitae), Labcorp
Classification: Uncertain significance for Renal cell carcinoma. Last evaluated: 2025-02-06. Review status: criteria provided, single submitter. Criteria: Invitae Variant Classification Sherloc (09022015). Collection method: clinical testing. Allele origin: germline.
Comment: This sequence change replaces proline, which is neutral and non-polar, with serine, which is neutral and polar, at codon 996 of the MET protein (p.Pro996Ser). This variant is not present in population databases (gnomAD no frequency). This variant has not been reported in the literature in individuals affected with MET-related conditions. Invitae Evidence Modeling of protein sequence and biophysical properties (such as structural, functional, and spatial information, amino acid conservation, physicochemical variation, residue mobility, and thermodynamic stability) indicates that this missense variant is not expected to disrupt MET protein function with a negative predictive value of 80%. In summary, the available evidence is currently insufficient to determine the role of this variant in disease. Therefore, it has been classified as a Variant of Uncertain Significance.

NM_000245.4(MET):c.2932C>T (p.Pro978Ser)

Gene: MET (MET proto-oncogene, receptor tyrosine kinase; plus strand). Cytogenetic location: 7q31.2.
Variant type: single nucleotide variant.
Coding change: c.2932C>T on transcript NM_000245.4 (MANE Select); coding-DNA position 2932, C replaced by T.
Protein change: p.Pro978Ser; replaces proline 978 with serine.
Molecular consequence: missense variant.
Genome position (GRCh38, 1-based): chr7:116,771,893, C>T. VCF-style: chr7-116771893-C-T. GRCh37 (hg19) VCF-style: chr7-116411947-C-T.
Other names: c.2986C>T, p.Pro996Ser (NM_001127500.3); c.1642C>T, p.Pro548Ser (NM_001324402.2); short protein forms P548S, P978S, P996S.
Identifiers: ClinVar variation 4742247 (VCV004742247.1).